The following is an entry in ClinVar:

ClinVar aggregate classification (germline): Pathogenic. Review status: criteria provided, multiple submitters, no conflicts (2 of 4 stars). 3 submissions from 3 submitters: Pathogenic (3). Last evaluated 2023-06-19.

Conditions:
Episodic ataxia type 2 (EA2). Also called: ACETAZOLAMIDE-RESPONSIVE HEREDITARY PAROXYSMAL CEREBELLAR ATAXIA; ATAXIA, EPISODIC, WITH NYSTAGMUS; ATAXIA, FAMILIAL PAROXYSMAL; CEREBELLAR ATAXIA, PAROXYSMAL, ACETAZOLAMIDE-RESPONSIVE; CEREBELLOPATHY, HEREDITARY PAROXYSMAL; EPISODIC ATAXIA, NYSTAGMUS-ASSOCIATED. Identifiers: Orphanet 97, MedGen C1720416, MONDO:0007163, OMIM 108500.
Developmental and epileptic encephalopathy, 42 (DEE42A). Also called: Epileptic encephalopathy, early infantile, 42; DEVELOPMENTAL AND EPILEPTIC ENCEPHALOPATHY 42A; EPILEPTIC ENCEPHALOPATHY, EARLY INFANTILE, 42A. Identifiers: MedGen C4310716, MONDO:0014917, OMIM 617106.

Submissions (3):

Women's Health and Genetics/Laboratory Corporation of America, LabCorp
Classification: Pathogenic for Developmental and epileptic encephalopathy, 42. Last evaluated: 2023-06-19. Review status: criteria provided, single submitter. Criteria: LabCorp Variant Classification Summary - May 2015. Collection method: clinical testing. Allele origin: germline.
Comment: Variant summary: CACNA1A c.2042delA (p.Gln681ArgfsX17) results in a premature termination codon, predicted to cause a truncation of the encoded protein or absence of the protein due to nonsense mediated decay, which are commonly known mechanisms for disease. The variant was absent in 249244 control chromosomes (gnomAD). c.2042delA has been reported in the literature in 2 sisters affected with episodic ataxia and intellectual deficiency (Humbertclaude_2018). These data indicate that the variant may be associated with disease. To our knowledge, no experimental evidence demonstrating an impact on protein function has been reported. The following publication has been ascertained in the context of this evaluation (PMID: 29926469). Two ClinVar submitters have assessed the variant since 2014: both classified the variant as pathogenic. Based on the evidence outlined above, the variant was classified as pathogenic.

CeGaT Center for Human Genetics Tuebingen
Classification: Pathogenic. Last evaluated: 2021-06-01. Review status: criteria provided, single submitter. Criteria: CeGaT Center For Human Genetics Tuebingen Variant Classification Criteria Version 2. Collection method: clinical testing. Allele origin: germline. Affected: yes. Observed: 1 variant allele.

Labcorp Genetics (formerly Invitae), Labcorp
Classification: Pathogenic for Developmental and epileptic encephalopathy, 42; Episodic ataxia type 2. Last evaluated: 2019-07-01. Review status: criteria provided, single submitter. Criteria: Invitae Variant Classification Sherloc (09022015). Collection method: clinical testing. Allele origin: germline.
Comment: This variant has not been reported in the literature in individuals with CACNA1A-related conditions. ClinVar contains an entry for this variant (Variation ID: 476239). This sequence change creates a premature translational stop signal (p.Gln681Argfs*17) in the CACNA1A gene. It is expected to result in an absent or disrupted protein product. This variant is not present in population databases (ExAC no frequency). Loss-of-function variants in CACNA1A are known to be pathogenic (PMID: 10371528, 19486177, 25735478, 27250579). For these reasons, this variant has been classified as Pathogenic.

Literature cited by the submitters: PubMed 29926469 (cited by Women's Health and Genetics/Laboratory Corporation of America, LabCorp); PubMed 10371528 (cited by Labcorp Genetics (formerly Invitae), Labcorp); PubMed 19486177 (cited by Labcorp Genetics (formerly Invitae), Labcorp); PubMed 25735478 (cited by Labcorp Genetics (formerly Invitae), Labcorp); PubMed 27250579 (cited by Labcorp Genetics (formerly Invitae), Labcorp).

NM_001127222.2(CACNA1A):c.2039del (p.Gln680fs)

Gene: CACNA1A (calcium voltage-gated channel subunit alpha1 A; minus strand). Cytogenetic location: 19p13.13.
Variant type: Deletion.
Coding change: c.2039del on transcript NM_001127222.2 (MANE Select); coding-DNA position 2039, one base deleted (A; older notation c.2039delA).
Protein change: p.Gln680fs; shifts the reading frame from glutamine 680.
Molecular consequence: frameshift variant.
Genome position (GRCh38, 1-based): chr19:13,303,832, T deleted on the plus strand (A on the coding strand, the reverse complement: CACNA1A is on the minus strand). VCF-style (leftmost placement, unchanged base first): chr19-13303831-CT-C. GRCh37 (hg19) VCF-style: chr19-13414645-CT-C.
Other names: c.2042delA (NM_001127221.1); c.2042del, p.Gln681fs (NM_000068.4, NM_001127221.2, NM_001174080.2 and 1 more transcripts); short protein forms Q680fs, Q681fs.
Identifiers: ClinVar variation 476239 (VCV000476239.44), dbSNP rs1555757523, ClinGen allele CA658658789.
Genomic context (GRCh38, chr19:13,303,831, plus strand): 5'-CCCAAAGAGCGTCAGTACAATGAAATAGATGGAGAACACCATGCCGCCCTGCACGCCCCC[CT>C]GAGACTTGATCCCGTCGTACATGACCTCGTTCCAGTCTTCGCCCGTCAGGATCTGAAAGG-3'